The following is an entry in ClinVar:

NC_000022.10:g.(?_51111250)_(51171641_?)del

Gene: SHANK3 (SH3 and multiple ankyrin repeat domains 3; plus strand). Cytogenetic location: 22q13.33.
Variant type: Deletion.
Identifiers: ClinVar variation 4847057 (VCV004847057.1).

ClinVar aggregate classification (germline): Pathogenic (1 of 4 stars; one submission).

Conditions:
Phelan-McDermid syndrome. Also called: TELOMERIC 22q13 MONOSOMY SYNDROME; 22q13.3 deletion syndrome; Phelan-McDermid Syndrome-SHANK3 Related. Identifiers: Orphanet 48652, MedGen C1853490, MONDO:0011652, OMIM 606232.

Submission:

Women's Health and Genetics/Laboratory Corporation of America, LabCorp
Classification: Pathogenic for Phelan-McDermid syndrome. Last evaluated: 2026-03-20. Review status: criteria provided, single submitter. Criteria: LabCorp Variant Classification Summary - May 2015. Collection method: clinical testing. Allele origin: germline.
Comment: Variant summary: The variant involves the deletion of exons 1-25 in the SHANK3 gene. A presumed nomenclature of c.(?_-371)_(*1901_?)del has been designated for the purposes of this classification. This deletion includes the entire coding sequence of the gene. As the exact proximal and distal breakpoints are unknown, it may extend beyond the annotated region of the gene to include other flanking genes. Loss-of-function variants in this gene are known to be pathogenic. The variant was absent in 20386 control chromosomes. A similar deletion has been observed in individual(s) affected with Phelan-McDermid Syndrome (e.g. Verhoeven_2020). To our knowledge, no experimental evidence demonstrating an impact on protein function has been reported. No submitters have cited clinical-significance assessments for this variant to ClinVar. Based on the evidence outlined above, the variant was classified as pathogenic.

Literature cited by the submitters: PubMed 31465867.